The following is an entry in ClinVar:

ClinVar aggregate classification (germline): Uncertain significance (1 of 4 stars; one submission).

gnomAD v4.1: 1 of 1,613,792 alleles (0.000062%); highest among the groups gnomAD compares: East Asian, 0.0022%; no homozygotes.

Submission:

Labcorp Genetics (formerly Invitae), Labcorp
Classification: Uncertain significance. Last evaluated: 2025-06-29. Review status: criteria provided, single submitter. Criteria: Invitae Variant Classification Sherloc (09022015). Collection method: clinical testing. Allele origin: germline.
Comment: This sequence change replaces proline, which is neutral and non-polar, with leucine, which is neutral and non-polar, at codon 492 of the COL9A3 protein (p.Pro492Leu). This variant is not present in population databases (gnomAD no frequency). This variant has not been reported in the literature in individuals affected with COL9A3-related conditions. Invitae Evidence Modeling of protein sequence and biophysical properties (such as structural, functional, and spatial information, amino acid conservation, physicochemical variation, residue mobility, and thermodynamic stability) indicates that this missense variant is not expected to disrupt COL9A3 protein function with a negative predictive value of 95%. In summary, the available evidence is currently insufficient to determine the role of this variant in disease. Therefore, it has been classified as a Variant of Uncertain Significance.

NM_001853.4(COL9A3):c.1475C>T (p.Pro492Leu)

Genes: COL9A3 (collagen type IX alpha 3 chain; plus strand), LOC126863084 (MED14-independent group 3 enhancer GRCh37_chr20:61467141-61468340; plus strand). Cytogenetic location: 20q13.33.
Variant type: single nucleotide variant.
Coding change: c.1475C>T on transcript NM_001853.4 (MANE Select); coding-DNA position 1475, C replaced by T.
Protein change: p.Pro492Leu; replaces proline 492 with leucine.
Molecular consequence: missense variant.
Genome position (GRCh38, 1-based): chr20:62,836,260, C>T. VCF-style: chr20-62836260-C-T. GRCh37 (hg19) VCF-style: chr20-61467612-C-T.
Other names: short protein forms P492L.
Identifiers: ClinVar variation 4776622 (VCV004776622.1).